The following is an entry in ClinVar:

ClinVar aggregate classification (germline): Uncertain significance (1 of 4 stars; one submission).

Conditions:
Duchenne muscular dystrophy (DMD). Also called: Duchenne Muscular Dystrophy (DMD); MUSCULAR DYSTROPHY, PSEUDOHYPERTROPHIC PROGRESSIVE, DUCHENNE TYPE. Identifiers: Orphanet 98896, MedGen C0013264, MONDO:0010679, OMIM 310200.

Submission:

Labcorp Genetics (formerly Invitae), Labcorp
Classification: Uncertain significance for Duchenne muscular dystrophy. Last evaluated: 2022-07-19. Review status: criteria provided, single submitter. Criteria: Invitae Variant Classification Sherloc (09022015). Collection method: clinical testing. Allele origin: germline.
Comment: This variant results in a copy number gain of the genomic region encompassing exon(s) 14-37 of the DMD gene. While the exact position of this variant cannot be determined from the data, sub-genic copy number gains are generally in tandem (PMID: 25640679). This variant is predicted to be in-frame, and likely preserves the integrity of the reading frame. A similar copy number variant has been observed in individual(s) with Becker or Duchenne muscular dystrophy (PMID: 10612827). Experimental studies and prediction algorithms are not available or were not evaluated, and the functional significance of this variant is currently unknown. In summary, the available evidence is currently insufficient to determine the role of this variant in disease. Therefore, it has been classified as a Variant of Uncertain Significance.

Literature cited by the submitters: PubMed 25640679; PubMed 10612827.

NC_000023.10:g.(?_32380885)_(32591983_?)dup

Gene: DMD (dystrophin; minus strand). Cytogenetic location: Xp21.1.
Variant type: Duplication.
Identifiers: ClinVar variation 1472770 (VCV001472770.5).